The following is an entry in ClinVar:

NM_000217.3(KCNA1):c.-134G>T

Gene: KCNA1 (potassium voltage-gated channel subfamily A member 1; plus strand). Cytogenetic location: 12p13.32.
Variant type: single nucleotide variant.
Coding change: c.-134G>T on transcript NM_000217.3 (MANE Select); 134 bases upstream of the start codon, G replaced by T.
Molecular consequence: 5 prime UTR variant.
Genome position (GRCh38, 1-based): chr12:4,911,245, G>T. VCF-style: chr12-4911245-G-T. GRCh37 (hg19) VCF-style: chr12-5020411-G-T.
Identifiers: ClinVar variation 309140 (VCV000309140.9), dbSNP rs12817318, ClinGen allele CA10642494.
Genomic context (GRCh38, chr12:4,911,245, plus strand): 5'-GGGTGGAGGGGAAGGCAGCGAGAGGCAAAGTCGCAGATCTCCCGACCTGCTCGTGTTGAA[G>T]CACCTCCCCCTGGGCGTGAGGGAGACGCGCGCTCCGGTGGGGGGGCCGCTTGGGTCCCCC-3'

ClinVar aggregate classification (germline): Benign/Likely benign. Review status: criteria provided, multiple submitters, no conflicts (2 of 4 stars). 3 submissions from 3 submitters: Benign (2); Likely benign (1). Last evaluated 2019-12-26.

Conditions:
Episodic ataxia type 1 (EA1). Also called: ATAXIA, EPISODIC, WITH MYOKYMIA; MYOKYMIA WITH PERIODIC ATAXIA; PAROXYSMAL ATAXIA WITH NEUROMYOTONIA, HEREDITARY; Episodic ataxia/myokymia syndrome. Identifiers: Orphanet 37612, Orphanet 972, MedGen C1719788, MONDO:0008047, OMIM 160120.

Allele frequency attached by ClinVar (database versions not stated): TOPMed 0.02497; 1000 Genomes Project 30x 0.03217; gnomAD 0.03550; 1000 Genomes Project 0.03554; gnomAD exomes 0.04731.
gnomAD v4.1: 28,540 of 656,786 alleles (4.3%); highest among the groups gnomAD compares: East Asian, 8.9%; 860 homozygotes.

Submissions (3):

GeneDx
Classification: Benign. Last evaluated: 2019-12-26. Review status: criteria provided, single submitter. Criteria: GeneDx Variant Classification Process June 2021. Collection method: clinical testing. Allele origin: germline. Affected: yes.

Illumina Laboratory Services, Illumina
Classification: Benign for Episodic ataxia type 1. Last evaluated: 2018-01-12. Review status: criteria provided, single submitter. Criteria: ICSL Variant Classification Criteria 13 December 2019. Collection method: clinical testing. Allele origin: germline.
Comment: This variant was observed in the ICSL laboratory as part of a predisposition screen in an ostensibly healthy population. It had not been previously curated by ICSL or reported in the Human Gene Mutation Database (HGMD: prior to June 1st, 2018), and was therefore a candidate for classification through an automated scoring system. Utilizing variant allele frequency, disease prevalence and penetrance estimates, and inheritance mode, an automated score was calculated to assess if this variant is too frequent to cause the disease. Based on the score and internal cut-off values, a variant classified as benign is not then subjected to further curation. The score for this variant resulted in a classification of benign for this disease.

Breakthrough Genomics
Classification: Likely benign. Review status: criteria provided, single submitter. Criteria: ACMG Guidelines, 2015. Collection method: not provided. Allele origin: germline. Inheritance: Autosomal dominant inheritance. Affected: yes.